The following is an entry in ClinVar:

ClinVar aggregate classification (germline): Uncertain significance (1 of 4 stars; one submission).

Allele frequency attached by ClinVar (database versions not stated): gnomAD 0.00001; gnomAD exomes 0.00001; TOPMed 0.00001; ExAC 0.00002.
gnomAD v4.1: 12 of 1,613,684 alleles (0.00074%); highest among the groups gnomAD compares: East Asian, 0.0045%; no homozygotes.

Submission:

Labcorp Genetics (formerly Invitae), Labcorp
Classification: Uncertain significance. Last evaluated: 2021-12-01. Review status: criteria provided, single submitter. Criteria: Invitae Variant Classification Sherloc (09022015). Collection method: clinical testing. Allele origin: germline.
Comment: This sequence change replaces alanine, which is neutral and non-polar, with valine, which is neutral and non-polar, at codon 952 of the CTDP1 protein (p.Ala952Val). This variant is present in population databases (rs757157825, gnomAD 0.002%). This variant has not been reported in the literature in individuals affected with CTDP1-related conditions. Algorithms developed to predict the effect of missense changes on protein structure and function are either unavailable or do not agree on the potential impact of this missense change (SIFT: "Tolerated"; PolyPhen-2: "Probably Damaging"; Align-GVGD: "Class C0"). Algorithms developed to predict the effect of sequence changes on RNA splicing suggest that this variant may create or strengthen a splice site. In summary, the available evidence is currently insufficient to determine the role of this variant in disease. Therefore, it has been classified as a Variant of Uncertain Significance.

NM_004715.5(CTDP1):c.2855C>T (p.Ala952Val)

Gene: CTDP1 (CTD phosphatase subunit 1; plus strand). Cytogenetic location: 18q23.
Variant type: single nucleotide variant.
Coding change: c.2855C>T on transcript NM_004715.5 (MANE Select); coding-DNA position 2855, C replaced by T.
Protein change: p.Ala952Val; replaces alanine 952 with valine.
Molecular consequence: missense variant. On other transcripts: 3 prime UTR variant (2).
Genome position (GRCh38, 1-based): chr18:79,753,759, C>T. VCF-style: chr18-79753759-C-T. GRCh37 (hg19) VCF-style: chr18-77513759-C-T.
Other names: c.2498C>T, p.Ala833Val (NM_001202504.1); c.*84C>T (NM_001318511.2); c.*88C>T (NM_048368.4); short protein forms A833V, A952V.
Identifiers: ClinVar variation 2194229 (VCV002194229.1), dbSNP rs757157825, ClinGen allele CA9010731.